The following is an entry in ClinVar:

ClinVar aggregate classification (germline): Uncertain significance (1 of 4 stars; one submission).

Allele frequency attached by ClinVar (database versions not stated): gnomAD exomes below 0.00001.
gnomAD v4.1: 2 of 1,605,400 alleles (0.00012%); highest among the groups gnomAD compares: Non-Finnish European, 0.000085%; no homozygotes.

Submission:

Labcorp Genetics (formerly Invitae), Labcorp
Classification: Uncertain significance. Last evaluated: 2022-07-05. Review status: criteria provided, single submitter. Criteria: Invitae Variant Classification Sherloc (09022015). Collection method: clinical testing. Allele origin: germline.
Comment: This sequence change replaces methionine, which is neutral and non-polar, with valine, which is neutral and non-polar, at codon 410 of the GUF1 protein (p.Met410Val). In summary, the available evidence is currently insufficient to determine the role of this variant in disease. Therefore, it has been classified as a Variant of Uncertain Significance. Algorithms developed to predict the effect of missense changes on protein structure and function (SIFT, PolyPhen-2, Align-GVGD) all suggest that this variant is likely to be tolerated. ClinVar contains an entry for this variant (Variation ID: 1476533). This variant has not been reported in the literature in individuals affected with GUF1-related conditions. This variant is not present in population databases (gnomAD no frequency).

NM_021927.3(GUF1):c.1228A>G (p.Met410Val)

Gene: GUF1 (GTP binding elongation factor GUF1; plus strand). Cytogenetic location: 4p12.
Variant type: single nucleotide variant.
Coding change: c.1228A>G on transcript NM_021927.3 (MANE Select); coding-DNA position 1228, A replaced by G.
Protein change: p.Met410Val; replaces methionine 410 with valine.
Molecular consequence: missense variant.
Genome position (GRCh38, 1-based): chr4:44,689,868, A>G. VCF-style: chr4-44689868-A-G. GRCh37 (hg19) VCF-style: chr4-44691885-A-G.
Other names: c.256A>G, p.Met86Val (NM_001345867.2, NM_001345869.2); c.1228A>G, p.Met410Val (NM_001345868.2); short protein forms M86V, M410V.
Identifiers: ClinVar variation 1476533 (VCV001476533.8), dbSNP rs2109652611, ClinGen allele CA356763320.
Genomic context (GRCh38, chr4:44,689,868, plus strand): 5'-ATAAACATTTTGGAGTTTGTCTTTTCCTCCCCCAGGCTAGGATTTCTTGGACTTTTGCAC[A>G]TGGAAGTTTTCAACCAGCGACTGGAGCAAGAATATAATGCTTCTGTTATTTTAACAACCC-3'
Protein context (NP_068746.2, residues 400-420): WRLGFLGLLH[Met410Val]EVFNQRLEQE